The following is an entry in ClinVar:

ClinVar aggregate classification (germline): Uncertain significance (1 of 4 stars; one submission).

Conditions:
Dyskeratosis congenita. Identifiers: Orphanet 1775, MedGen C0265965, MONDO:0015780.

Allele frequency attached by ClinVar (database versions not stated): ExAC 0.00001; gnomAD exomes 0.00001.
gnomAD v4.1: 4 of 1,613,980 alleles (0.00025%); highest among the groups gnomAD compares: Non-Finnish European, 0.00034%; no homozygotes.

Submission:

Labcorp Genetics (formerly Invitae), Labcorp
Classification: Uncertain significance for Dyskeratosis congenita. Last evaluated: 2020-11-11. Review status: criteria provided, single submitter. Criteria: Invitae Variant Classification Sherloc (09022015). Collection method: clinical testing. Allele origin: germline.
Comment: Algorithms developed to predict the effect of missense changes on protein structure and function output the following: SIFT: "Deleterious"; PolyPhen-2: "Benign"; Align-GVGD: "Class C0". The leucine amino acid residue is found in multiple mammalian species, suggesting that this missense change does not adversely affect protein function. These predictions have not been confirmed by published functional studies and their clinical significance is uncertain. This sequence change replaces proline with leucine at codon 999 of the CTC1 protein (p.Pro999Leu). The proline residue is moderately conserved and there is a moderate physicochemical difference between proline and leucine. This variant is present in population databases (rs780572571, ExAC 0.002%). This variant has not been reported in the literature in individuals with CTC1-related conditions. In summary, the available evidence is currently insufficient to determine the role of this variant in disease. Therefore, it has been classified as a Variant of Uncertain Significance.

NM_025099.6(CTC1):c.2996C>T (p.Pro999Leu)

Gene: CTC1 (CST telomere replication complex component 1; minus strand). Cytogenetic location: 17p13.1.
Variant type: single nucleotide variant.
Coding change: c.2996C>T on transcript NM_025099.6 (MANE Select); coding-DNA position 2996, C replaced by T.
Protein change: p.Pro999Leu; replaces proline 999 with leucine.
Molecular consequence: missense variant. On other transcripts: non-coding transcript variant (1).
Genome position (GRCh38, 1-based): chr17:8,229,906, G>A on the plus strand (C>T on the coding strand, the complement: CTC1 is on the minus strand). VCF-style: chr17-8229906-G-A. GRCh37 (hg19) VCF-style: chr17-8133224-G-A.
Other names: short protein forms P999L.
Identifiers: ClinVar variation 1003555 (VCV001003555.7), dbSNP rs780572571, ClinGen allele CA8371924.